The following is an entry in ClinVar:

NM_000159.4(GCDH):c.1240G>A (p.Glu414Lys)

Gene: GCDH (glutaryl-CoA dehydrogenase; plus strand). Cytogenetic location: 19p13.13.
Variant type: single nucleotide variant.
Coding change: c.1240G>A on transcript NM_000159.4 (MANE Select); coding-DNA position 1240, G replaced by A.
Protein change: p.Glu414Lys; replaces glutamic acid 414 with lysine.
Molecular consequence: missense variant. On other transcripts: non-coding transcript variant (2).
Genome position (GRCh38, 1-based): chr19:12,897,860, G>A. VCF-style: chr19-12897860-G-A. GRCh37 (hg19) VCF-style: chr19-13008674-G-A.
Other names: c.1240G>A, p.Glu414Lys (NM_013976.5); c.1240G>A (NM_000159.2); short protein forms E414K.
Identifiers: ClinVar variation 167133 (VCV000167133.86), dbSNP rs147611168, ClinGen allele CA234086.

ClinVar aggregate classification (germline): Pathogenic/Likely pathogenic. Review status: criteria provided, multiple submitters, no conflicts (2 of 4 stars). 17 submissions from 17 submitters: Pathogenic (15); Likely pathogenic (1). 1 of the submissions does not count toward it. Last evaluated 2026-01-20.

Conditions:
Glutaric acidaemia I newborn screening follow up.
GCDH-related disorder. Also called: GCDH-related condition.
Glutaric aciduria, type 1. Also called: Glutaricaciduria, type I; Glutaryl-CoA dehydrogenase deficiency; Glutaric acidemia type I; GA I; Glutaricacidemia Type 1; Glutaric Acidemia Type 1. Identifiers: Orphanet 25, MedGen C0268595, MONDO:0009281, OMIM 231670.

Allele frequency attached by ClinVar (database versions not stated): gnomAD exomes 0.00004 and 0.00008; ExAC 0.00005; gnomAD 0.00014 and 0.00012; ESP Exome Variant Server 0.00023; TOPMed 0.00011.
gnomAD v4.1: 132 of 1,613,338 alleles (0.0082%); highest among the groups gnomAD compares: African/African-American, 0.029%; no homozygotes.

Submissions 1 to 10 of 17:

Labcorp Genetics (formerly Invitae), Labcorp
Classification: Pathogenic for Glutaric aciduria, type 1. Last evaluated: 2026-01-20. Review status: criteria provided, single submitter. Criteria: Invitae Variant Classification Sherloc (09022015). Collection method: clinical testing. Allele origin: germline.
Comment: This sequence change replaces glutamic acid, which is acidic and polar, with lysine, which is basic and polar, at codon 414 of the GCDH protein (p.Glu414Lys). This variant is present in population databases (rs147611168, gnomAD 0.01%). This missense change has been observed in individual(s) with glutaric acidemia type I and has been described as a common cause of the disease in the Lumbee population (PMID: 8900227, 16466958, 19433437). It is commonly reported in individuals of Lumbee ancestry (PMID: 8900227, 16466958, 19433437). ClinVar contains an entry for this variant (Variation ID: 167133). Invitae Evidence Modeling of protein sequence and biophysical properties (such as structural, functional, and spatial information, amino acid conservation, physicochemical variation, residue mobility, and thermodynamic stability) indicates that this missense variant is expected to disrupt GCDH protein function with a positive predictive value of 80%. Experimental studies have shown that this missense change affects GCDH function (PMID: 18775954). For these reasons, this variant has been classified as Pathogenic.

Natera, Inc.
Classification: Pathogenic for Glutaric acidemia type 1. Last evaluated: 2025-12-18. Review status: criteria provided, single submitter. Criteria: Natera Variant Classification Schema (03/2026). Collection method: clinical testing. Allele origin: germline.
Comment: The c.1240G>A variant in GCDH is a missense variant predicted to cause substitution of glutamic acid to lysine at amino acid 414. This variant is rare in the general population with a frequency below the threshold expected for the associated phenotype(s). This variant has been observed in one or more individuals affected with the associated recessive disease, as either homozygous or compound heterozygous with a second variant (PMID: 29458885, 19433437, 16466958). Additionally, this variant has been observed to segregate in affected family members (PMID: 16466958). Functional studies show that this variant may disrupt protein function (PMID: 18775954). Computational prediction algorithms indicate this variant is likely to affect gene or protein function. Given the available evidence, this variant is classified as Pathogenic.

PreventionGenetics, part of Exact Sciences
Classification: Pathogenic for GCDH-related condition. Last evaluated: 2025-10-03. Review status: criteria provided, single submitter. Criteria: ACMG Guidelines, 2015. Collection method: clinical testing. Allele origin: germline.
Comment: The GCDH c.1240G>A variant is predicted to result in the amino acid substitution p.Glu414Lys. This variant has been reported in the heterozygous state with a second GCDH variant in patients with glutaric acidemia type I (GA1) (Harting et al. 2009. PubMed ID: 19433437; Boy et al. 2017. PubMed ID: 28438223). The c.1240G>A variant has also been reported as a common pathogenic variant in the Lumbee population of North Carolina (Basinger et al. 2006. PubMed ID: 16466958). Internally, we have observed this variant in the homozygous state or compound heterozygous with a second causative GCDH variant in several individuals with abnormal newborn screens and follow-up biochemical testing suggestive of GA1. In functional studies, the p.Glu414Lys substitution, as well as a p.Glu414Gln mutation of the same codon, has been reported to lead to greatly reduced to absent enzyme activity (Biery et al. 1996. PubMed ID: 8900227; Keyser et al. 2008. PubMed ID: 18775954). The p.Glu414 amino acid residue is located in the enzyme active site, and the p.Glu414Lys substitution was noted to interfere with ligand binding in functional assays (Keyser et al. 2008. PubMed ID: 18775954). This variant is reported in 0.020% of alleles in individuals of African descent in gnomAD. This variant is interpreted as pathogenic.

Genetics Laboratory, Great Ormond Street Hospital NHS Foundation Trust, North Thames Genomic Laboratory Hub
Classification: Likely pathogenic for Glutaric acidaemia I newborn screening follow up. Last evaluated: 2025-08-29. Review status: criteria provided, single submitter. Criteria: ACGS Best Practice Guidelines for Variant Classification in Rare Disease 2024 v1.2. Collection method: clinical testing. Allele origin: germline. Affected: yes.
Comment: PM2_moderate, PP3_supporting, PM5_supporting, PS3_supporting, PM3_supporting, PP4_moderate

Variantyx, Inc.
Classification: Pathogenic for Glutaric aciduria, type 1. Last evaluated: 2025-05-07. Review status: criteria provided, single submitter. Criteria: Variantyx Assertion Criteria 2022. Collection method: clinical testing. Allele origin: germline. Inheritance: Autosomal recessive inheritance. Affected: no.
Comment: This is a nonsynonymous variant in the GCDH gene (OMIM: 608801). Pathogenic variants in this gene have been associated with autosomal recessive glutaric acidemia I (GA1). This variant has been reported in the homozygous or compound heterozygous state in several unrelated affected individuals (PMID: 16466958, 28438223, 34012862) (PM3_Strong). Functional studies have shown that this variant alters GCDH protein function (PMID: 18775954, 8900227, 37685964) (PS3), and multiple computational algorithms predict a deleterious effect for this variant (REVEL score: 0.959) (PP3). Furthermore, the variant lies within a known hotspot for pathogenic variants or a well-established critical functional domain of the GCDH protein (PM1). It has a 0.0294% maximum allele frequency in non-founder control populations (PM2). Based on the current evidence, this variant is classified as pathogenic for autosomal recessive glutaric acidemia I (GA1).

North West Genomic Laboratory Hub, Manchester University NHS Foundation Trust
Classification: Pathogenic for Glutaric aciduria, type 1. Last evaluated: 2024-09-02. Review status: criteria provided, single submitter. Criteria: ACGS Best Practice Guidelines for Variant Classification in Rare Disease 2020. Collection method: clinical testing. Allele origin: germline. Affected: yes.
Comment: PS3_Supp PM3_Str PP3_Supp PP4_Mod PM1_Supp PM2_Mod

CeGaT Center for Human Genetics Tuebingen
Classification: Pathogenic. Last evaluated: 2024-08-01. Review status: criteria provided, single submitter. Criteria: CeGaT Center For Human Genetics Tuebingen Variant Classification Criteria Version 2. Collection method: clinical testing. Allele origin: germline. Affected: yes. Observed: 1 variant allele.
Comment: GCDH: PM1, PM2, PM3, PM5, PP4:Moderate, PP3, PS3:Supporting

Fulgent Genetics
Classification: Pathogenic for Glutaric aciduria, type 1. Last evaluated: 2024-01-15. Review status: criteria provided, single submitter. Criteria: ACMG Guidelines, 2015. Collection method: clinical testing. Allele origin: germline.

Women's Health and Genetics/Laboratory Corporation of America, LabCorp
Classification: Pathogenic for Glutaric aciduria, type 1. Last evaluated: 2023-11-03. Review status: criteria provided, single submitter. Criteria: LabCorp Variant Classification Summary - May 2015. Collection method: clinical testing. Allele origin: germline.
Comment: Variant summary: GCDH c.1240G>A (p.Glu414Lys) results in a conservative amino acid change located in the acyl-CoA dehydrogenase/oxidase, C-terminal domain (IPR009075) of the encoded protein sequence. Four of five in-silico tools predict a damaging effect of the variant on protein function. The variant allele was found at a frequency of 4.4e-05 in 250166 control chromosomes (gnomAD). This frequency is not significantly higher than estimated for a pathogenic variant in GCDH causing Glutaric Acidemia Type 1 (4.4e-05 vs 0.0035), allowing no conclusion about variant significance. c.1240G>A has been reported in the literature as a biallelic genotype in multiple individuals affected with Glutaric Acidemia Type 1, including individuals of Lumbee heritage, a community in which it has been described as a founder variant (e.g. Basinger_2006, Boy_2017). These data indicate that the variant is very likely to be associated with disease. At least one publication reports experimental evidence evaluating an impact on protein function in vitro (Keyser_2008) and found that variant effect results in <10% activity compared to the WT protein. The following publications have been ascertained in the context of this evaluation (PMID: 16466958, 28438223, 18775954). Seven submitters have cited clinical-significance assessments for this variant to ClinVar after 2014. All submitters classified the variant as pathogenic. Based on the evidence outlined above, the variant was classified as pathogenic.

Mayo Clinic Laboratories, Mayo Clinic
Classification: Pathogenic. Last evaluated: 2023-08-15. Review status: criteria provided, single submitter. Criteria: ACMG Guidelines, 2015. Collection method: clinical testing. Allele origin: germline. Observed: 2 variant alleles.
Comment: PP3, PP4, PM2_moderate, PM3, PS3